The following is an entry in ClinVar:

ClinVar aggregate classification (germline): Pathogenic. Review status: criteria provided, multiple submitters, no conflicts (2 of 4 stars). 2 submissions from 2 submitters: Pathogenic (2). Last evaluated 2024-10-08.

Conditions:
RP2-related disorder. Also called: RP2-related condition.

Submissions (2):

Labcorp Genetics (formerly Invitae), Labcorp
Classification: Pathogenic. Last evaluated: 2024-10-08. Review status: criteria provided, single submitter. Criteria: Invitae Variant Classification Sherloc (09022015). Collection method: clinical testing. Allele origin: germline.
Comment: This sequence change creates a premature translational stop signal (p.Asp107Leufs*16) in the RP2 gene. It is expected to result in an absent or disrupted protein product. Loss-of-function variants in RP2 are known to be pathogenic (PMID: 11992260, 20625056). This variant is not present in population databases (gnomAD no frequency). This premature translational stop signal has been observed in individual(s) with retinitis pigmentosa (PMID: 22334370). This variant is also known as c.318_319delAG. For these reasons, this variant has been classified as Pathogenic.

Blueprint Genetics
Classification: Pathogenic for RP2-related disorders. Last evaluated: 2022-08-24. Review status: criteria provided, single submitter. Criteria: ACMG Guidelines, 2015. Collection method: clinical testing. Allele origin: germline. Affected: yes. Observed: 1 variant allele.

Literature cited by the submitters: PubMed 11992260 (cited by Labcorp Genetics (formerly Invitae), Labcorp); PubMed 20625056 (cited by Labcorp Genetics (formerly Invitae), Labcorp); PubMed 22334370 (cited by Labcorp Genetics (formerly Invitae), Labcorp).

NM_006915.3(RP2):c.319_320del (p.Asp107fs)

Gene: RP2 (RP2 activator of ARL3 GTPase; plus strand). Cytogenetic location: Xp11.3.
Variant type: Microsatellite.
Coding change: c.319_320del on transcript NM_006915.3 (MANE Select); coding-DNA positions 319 to 320, 2 bases deleted (GA; older notation c.319_320delGA).
Protein change: p.Asp107fs; shifts the reading frame from aspartic acid 107.
Molecular consequence: frameshift variant.
Genome position (GRCh38, 1-based): chrX:46,853,692-46,853,693, GA deleted; deleting any 2 consecutive bases within chrX:46,853,689-46,853,693 gives the same sequence; the c. name uses the placement nearest the transcript's 3' end. VCF-style (leftmost placement, unchanged base first): chrX-46853688-CAG-C. GRCh37 (hg19) VCF-style: chrX-46713123-CAG-C.
Other names: short protein forms D107fs.
Identifiers: ClinVar variation 2138559 (VCV002138559.5), dbSNP rs2519914154, ClinGen allele CA2580617021.